The following is an entry in ClinVar:

ClinVar aggregate classification (germline): Uncertain significance. Review status: criteria provided, multiple submitters, no conflicts (2 of 4 stars). 2 submissions from 2 submitters: Uncertain significance (2). Last evaluated 2025-08-31.

Conditions:
Inborn genetic diseases. Identifiers: MedGen C0950123, MeSH D030342.
Glycogen storage disease IXd (GSD9D). Also called: GSD IXd; Muscle Phosphorylase Kinase Deficiency. Identifiers: Orphanet 715, MedGen C1845151, MONDO:0010362, OMIM 300559.

Allele frequency attached by ClinVar (database versions not stated): ExAC 0.00002; 1000 Genomes Project 30x 0.00021; 1000 Genomes Project 0.00026.
gnomAD v4.1: 13 of 1,203,650 alleles (0.0011%); highest among the groups gnomAD compares: African/African-American, 0.011%; no homozygotes.

Submissions (2):

Labcorp Genetics (formerly Invitae), Labcorp
Classification: Uncertain significance for Glycogen storage disease IXd. Last evaluated: 2025-08-31. Review status: criteria provided, single submitter. Criteria: Invitae Variant Classification Sherloc (09022015). Collection method: clinical testing. Allele origin: germline.
Comment: This sequence change replaces arginine, which is basic and polar, with glutamine, which is neutral and polar, at codon 917 of the PHKA1 protein (p.Arg917Gln). This variant is present in population databases (rs782646796, gnomAD 0.02%). This variant has not been reported in the literature in individuals affected with PHKA1-related conditions. ClinVar contains an entry for this variant (Variation ID: 1941977). Invitae Evidence Modeling of protein sequence and biophysical properties (such as structural, functional, and spatial information, amino acid conservation, physicochemical variation, residue mobility, and thermodynamic stability) indicates that this missense variant is expected to disrupt PHKA1 protein function with a positive predictive value of 80%. In summary, the available evidence is currently insufficient to determine the role of this variant in disease. Therefore, it has been classified as a Variant of Uncertain Significance.

Ambry Genetics
Classification: Uncertain significance for Inborn genetic diseases. Last evaluated: 2024-07-07. Review status: criteria provided, single submitter. Criteria: Ambry Variant Classification Scheme 2023. Collection method: clinical testing. Allele origin: germline.

NM_002637.4(PHKA1):c.2750G>A (p.Arg917Gln)

Gene: PHKA1 (phosphorylase kinase regulatory subunit alpha 1; minus strand). Cytogenetic location: Xq13.1.
Variant type: single nucleotide variant.
Coding change: c.2750G>A on transcript NM_002637.4 (MANE Select); coding-DNA position 2750, G replaced by A.
Protein change: p.Arg917Gln; replaces arginine 917 with glutamine.
Molecular consequence: missense variant.
Genome position (GRCh38, 1-based): chrX:72,605,336, C>T on the plus strand (G>A on the coding strand, the complement: PHKA1 is on the minus strand). VCF-style: chrX-72605336-C-T. GRCh37 (hg19) VCF-style: chrX-71825186-C-T.
Other names: c.2750G>A (NM_002637.3); c.2750G>A, p.Arg917Gln (NM_001122670.2); c.2573G>A, p.Arg858Gln (NM_001172436.2); short protein forms R858Q, R917Q.
Identifiers: ClinVar variation 1941977 (VCV001941977.6), dbSNP rs782646796, ClinGen allele CA10450622.
Genomic context (GRCh38, chrX:72,605,336, plus strand): 5'-CATCGAAGGGAGTGGGCCAGTTCTGTTGCCATAACTTGTATGATCAGACCAATTCGAAGT[C>T]GAAACATTTCAGCAAAGAGGCCAGGCTGGGTTCGCATATACATGGCTAGATATACCATTA-3'
Protein context (NP_002628.2, residues 907-927): TQPGLFAEMF[Arg917Gln]LRIGLIIQVM